The following is an entry in ClinVar:

ClinVar aggregate classification (germline): Pathogenic/Likely pathogenic. Review status: criteria provided, multiple submitters, no conflicts (2 of 4 stars). 2 submissions from 2 submitters: Pathogenic (1); Likely pathogenic (1). Last evaluated 2024-04-09.

Conditions:
Renal hypomagnesemia 5 with ocular involvement. Also called: HYPOMAGNESEMIA 5, RENAL, WITH OR WITHOUT OCULAR INVOLVEMENT; MACULAR COLOBOMA, BILATERAL, WITH HYPERCALCIURIA; FHHNC WITH SEVERE OCULAR INVOLVEMENT; HYPOMAGNESEMIA, FAMILIAL, WITH HYPERCALCIURIA, NEPHROCALCINOSIS, AND SEVERE OCULAR INVOLVEMENT. Identifiers: Orphanet 2196, MedGen C4721891, MONDO:0009548, OMIM 248190.

Allele frequency attached by ClinVar (database versions not stated): ExAC 0.00001; gnomAD 0.00001.
gnomAD v4.1: 7 of 1,612,390 alleles (0.00043%); highest among the groups gnomAD compares: Middle Eastern, 0.016%; no homozygotes.

Submissions (2):

Labcorp Genetics (formerly Invitae), Labcorp
Classification: Pathogenic. Last evaluated: 2024-04-09. Review status: criteria provided, single submitter. Criteria: Invitae Variant Classification Sherloc (09022015). Collection method: clinical testing. Allele origin: germline.
Comment: This sequence change replaces glycine, which is neutral and non-polar, with serine, which is neutral and polar, at codon 75 of the CLDN19 protein (p.Gly75Ser). This variant also falls at the last nucleotide of exon 1, which is part of the consensus splice site for this exon. The frequency data for this variant in the population databases is considered unreliable, as metrics indicate poor data quality at this position in the gnomAD database. This missense change has been observed in individual(s) with familial hypomagnesemia with hypercalciuria and nephrocalcinosis (PMID: 23301036). In at least one individual the data is consistent with being in trans (on the opposite chromosome) from a pathogenic variant. It has also been observed to segregate with disease in related individuals. ClinVar contains an entry for this variant (Variation ID: 2202737). An algorithm developed to predict the effect of missense changes on protein structure and function (PolyPhen-2) suggests that this variant is likely to be disruptive. Variants that disrupt the consensus splice site are a relatively common cause of aberrant splicing (PMID: 17576681, 9536098). Algorithms developed to predict the effect of sequence changes on RNA splicing suggest that this variant may disrupt the consensus splice site. This variant disrupts the c.223G nucleotide in the CLDN19 gene. Other variant(s) that disrupt this nucleotide have been determined to be pathogenic (PMID: 23301036). This suggests that this nucleotide is clinically significant, and that variants that disrupt this position are likely to be disease-causing. For these reasons, this variant has been classified as Pathogenic.

Department of Pediatric Nephrology, Wuhan Children's Hospital
Classification: Likely pathogenic for Renal hypomagnesemia 5 with ocular involvement. Last evaluated: 2023-11-30. Review status: criteria provided, single submitter. Criteria: ACMG Guidelines, 2015. Collection method: clinical testing. Allele origin: germline. Inheritance: Autosomal recessive inheritance. Affected: yes. Observed: 1 compound heterozygote.
Comment: The other mutation is c.220delG. Specially, the c.223G>A variant, located in the critical first extracellular loop, substitutes a highly conserved glutamate with lysine, potentially disrupting the magnesium barrier function; it has been reported in Spanish patients with recurrent urinary tract infections, polyuria/polydipsia, nephrolithiasis, and Different ocular defects (PubMed: 31479589);Results obtained with the NNSPLICE software showed that mutations p.G75C and p.G75S lead to a 74-fold decrease in the donor splice site efficiency and to the synthesis of an aberrant mRNA containing a premature stop codon. Transcripts containing premature termination codons are degraded rapidly by the nonsense-mediated mRNA decay pathway.

Literature cited by the submitters: PubMed 23301036 (cited by Labcorp Genetics (formerly Invitae), Labcorp); PubMed 17576681 (cited by Labcorp Genetics (formerly Invitae), Labcorp); PubMed 9536098 (cited by Labcorp Genetics (formerly Invitae), Labcorp); PubMed 31479589 (cited by Department of Pediatric Nephrology, Wuhan Children's Hospital).

NM_148960.3(CLDN19):c.223G>A (p.Gly75Ser)

Gene: CLDN19 (claudin 19; minus strand). Cytogenetic location: 1p34.2.
Variant type: single nucleotide variant.
Coding change: c.223G>A on transcript NM_148960.3 (MANE Select); coding-DNA position 223, G replaced by A.
Protein change: p.Gly75Ser; replaces glycine 75 with serine.
Molecular consequence: missense variant.
Genome position (GRCh38, 1-based): chr1:42,739,841, C>T on the plus strand (G>A on the coding strand, the complement: CLDN19 is on the minus strand). VCF-style: chr1-42739841-C-T. GRCh37 (hg19) VCF-style: chr1-43205512-C-T.
Other names: c.223G>A, p.Gly75Ser (NM_001123395.2, NM_001185117.2); short protein forms G75S.
Identifiers: ClinVar variation 2202737 (VCV002202737.5), dbSNP rs780082160, ClinGen allele CA801452.